The following is an entry in ClinVar:

NM_000179.3(MSH6):c.3757_3767del (p.Val1253fs)

Gene: MSH6 (mutS homolog 6; plus strand). Cytogenetic location: 2p16.3.
Variant type: Deletion.
Coding change: c.3757_3767del on transcript NM_000179.3 (MANE Select); coding-DNA positions 3757 to 3767, 11 bases deleted (GTAGAAGATTA).
Protein change: p.Val1253fs; shifts the reading frame from valine 1253.
Molecular consequence: frameshift variant.
Genome position (GRCh38, 1-based): chr2:47,806,314-47,806,324, GTAGAAGATTA deleted; deleting any 11 consecutive bases within chr2:47,806,310-47,806,324 gives the same sequence; the c. name uses the placement nearest the transcript's 3' end. VCF-style (leftmost placement, unchanged base first): chr2-47806309-CATTAGTAGAAG-C. GRCh37 (hg19) VCF-style: chr2-48033448-CATTAGTAGAAG-C.
Other names: c.3367_3377del, p.Val1123fs (NM_001281492.2); c.2851_2861del, p.Val951fs (NM_001281493.2, NM_001281494.2); c.3757_3767del11 (NM_000179.2); short protein forms V1253fs, V951fs, V1123fs.
Identifiers: ClinVar variation 487417 (VCV000487417.4), dbSNP rs1553333093, ClinGen allele CA658655736.

ClinVar aggregate classification (germline): Pathogenic. Review status: criteria provided, single submitter (1 of 4 stars). 2 submissions from 2 submitters: Pathogenic (1). 1 of the submissions does not count toward it. Last evaluated 2024-07-18.

Conditions:
Lynch syndrome 5 (LYNCH5). Also called: Colorectal cancer, hereditary nonpolyposis, type 5; Hereditary non-polyposis colorectal cancer, type 5. Identifiers: Orphanet 144, MedGen C1833477, MONDO:0013710, OMIM 614350. Disease mechanism: loss of function.

Submissions (2):

Myriad Genetics, Inc.
Classification: Pathogenic for Lynch syndrome 5. Last evaluated: 2024-07-18. Review status: criteria provided, single submitter. Criteria: Myriad Autosomal Dominant, Autosomal Recessive and X-Linked Classification Criteria (2023). Collection method: clinical testing. Allele origin: unknown.
Comment: This variant is considered pathogenic. This variant creates a frameshift predicted to result in premature protein truncation.

Counsyl
Classification: Likely pathogenic for Lynch syndrome 5. Last evaluated: 2017-01-03. Review status: no assertion criteria provided. Collection method: clinical testing. Allele origin: unknown. Not counted in ClinVar's aggregate classification.